The following is an entry in ClinVar:

ClinVar aggregate classification (germline): Uncertain significance. Review status: criteria provided, multiple submitters, no conflicts (2 of 4 stars). 2 submissions from 2 submitters: Uncertain significance (2). Last evaluated 2023-06-13.

Conditions:
Hereditary cancer-predisposing syndrome. Also called: Tumor predisposition; Hereditary neoplastic syndrome; Hereditary Cancer Syndrome; Neoplastic Syndromes, Hereditary. Identifiers: Orphanet 140162, MedGen C0027672, MeSH D009386, MONDO:0015356.
Multiple endocrine neoplasia, type 1 (MEN1). Also called: MEA I; MEN I; WERMER SYNDROME; Endocrine adenomatosis multiple; MEN 1. Identifiers: Orphanet 652, MedGen C0025267, MeSH D018761, MONDO:0007540, OMIM 131100.

Allele frequency attached by ClinVar (database versions not stated): gnomAD exomes below 0.00001.
gnomAD v4.1: 2 of 1,587,638 alleles (0.00013%); highest among the groups gnomAD compares: South Asian, 0.0011%; no homozygotes.

Submissions (2):

Ambry Genetics
Classification: Uncertain significance for Hereditary cancer-predisposing syndrome. Last evaluated: 2023-06-13. Review status: criteria provided, single submitter. Criteria: Ambry Variant Classification Scheme 2023. Collection method: clinical testing. Allele origin: germline.
Comment: The p.S66I variant (also known as c.197G>T), located in coding exon 1 of the MEN1 gene, results from a G to T substitution at nucleotide position 197. The serine at codon 66 is replaced by isoleucine, an amino acid with dissimilar properties. This alteration was detected in the germline of an individual with isolated pituitary prolactinoma. (Mart&iacute;nez de LaPiscina I et al. Eur J Endocrinol, 2021 Aug;185:485-496). This amino acid position is well conserved in available vertebrate species. In addition, the in silico prediction for this alteration is inconclusive. Since supporting evidence is limited at this time, the clinical significance of this alteration remains unclear.

Labcorp Genetics (formerly Invitae), Labcorp
Classification: Uncertain significance for Multiple endocrine neoplasia, type 1. Last evaluated: 2022-09-21. Review status: criteria provided, single submitter. Criteria: Invitae Variant Classification Sherloc (09022015). Collection method: clinical testing. Allele origin: germline.
Comment: In summary, the available evidence is currently insufficient to determine the role of this variant in disease. Therefore, it has been classified as a Variant of Uncertain Significance. Advanced modeling of protein sequence and biophysical properties (such as structural, functional, and spatial information, amino acid conservation, physicochemical variation, residue mobility, and thermodynamic stability) performed at Invitae indicates that this missense variant is expected to disrupt MEN1 protein function. This variant has not been reported in the literature in individuals affected with MEN1-related conditions. This variant is not present in population databases (gnomAD no frequency). This sequence change replaces serine, which is neutral and polar, with isoleucine, which is neutral and non-polar, at codon 66 of the MEN1 protein (p.Ser66Ile).

Literature cited by the submitters: PubMed 34313605 (cited by Ambry Genetics).

NM_001370259.2(MEN1):c.197G>T (p.Ser66Ile)

Gene: MEN1 (menin 1; minus strand). Cytogenetic location: 11q13.1.
Variant type: single nucleotide variant.
Coding change: c.197G>T on transcript NM_001370259.2 (MANE Select); coding-DNA position 197, G replaced by T.
Protein change: p.Ser66Ile; replaces serine 66 with isoleucine.
Molecular consequence: missense variant.
Genome position (GRCh38, 1-based): chr11:64,809,913, C>A on the plus strand (G>T on the coding strand, the complement: MEN1 is on the minus strand). VCF-style: chr11-64809913-C-A. GRCh37 (hg19) VCF-style: chr11-64577385-C-A.
Other names: c.197G>T, p.Ser66Ile (NM_000244.4, NM_001370251.2, NM_001370260.2 and 20 more transcripts); short protein forms S66I.
Identifiers: ClinVar variation 1965667 (VCV001965667.7), dbSNP rs867960556, ClinGen allele CA223917165.